The following is an entry in ClinVar:

ClinVar aggregate classification (germline): Uncertain significance (1 of 4 stars; one submission).

Conditions:
Developmental and epileptic encephalopathy, 36 (DEE36). Also called: Congenital disorder of glycosylation, type Is; Epileptic encephalopathy, early infantile, 36; ALG13-CDG. Identifiers: Orphanet 324422, MedGen C4317295, MONDO:0010472, OMIM 300884.

Allele frequency attached by ClinVar (database versions not stated): ExAC below 0.00001; gnomAD exomes below 0.00001.
gnomAD v4.1: 3 of 1,207,753 alleles (0.00025%); highest among the groups gnomAD compares: Non-Finnish European, 0.00034%; no homozygotes.

Submission:

Labcorp Genetics (formerly Invitae), Labcorp
Classification: Uncertain significance for Developmental and epileptic encephalopathy, 36. Last evaluated: 2024-02-17. Review status: criteria provided, single submitter. Criteria: Invitae Variant Classification Sherloc (09022015). Collection method: clinical testing. Allele origin: germline.
Comment: This sequence change replaces proline, which is neutral and non-polar, with serine, which is neutral and polar, at codon 963 of the ALG13 protein (p.Pro963Ser). This variant is not present in population databases (gnomAD no frequency). This missense change has been observed in individual(s) with childhood epilepsy (PMID: 32631363). ClinVar contains an entry for this variant (Variation ID: 1007808). An algorithm developed to predict the effect of missense changes on protein structure and function (PolyPhen-2) suggests that this variant is likely to be disruptive. In summary, the available evidence is currently insufficient to determine the role of this variant in disease. Therefore, it has been classified as a Variant of Uncertain Significance.

Literature cited by the submitters: PubMed 32631363.

NM_001099922.3(ALG13):c.2887C>T (p.Pro963Ser)

Gene: ALG13 (ALG13 UDP-N-acetylglucosaminyltransferase subunit; plus strand). Cytogenetic location: Xq23.
Variant type: single nucleotide variant.
Coding change: c.2887C>T on transcript NM_001099922.3 (MANE Select); coding-DNA position 2887, C replaced by T.
Protein change: p.Pro963Ser; replaces proline 963 with serine.
Molecular consequence: missense variant. On other transcripts: intron variant (5).
Genome position (GRCh38, 1-based): chrX:111,744,859, C>T. VCF-style: chrX-111744859-C-T. GRCh37 (hg19) VCF-style: chrX-110988087-C-T.
Other names: c.2653C>T, p.Pro885Ser (NM_001257231.2); c.2384-7931C>T (NM_001257237.2, NM_001257234.2, NM_001257230.2); c.2210-7931C>T (NM_001324293.1); c.2696-7931C>T (NM_001324292.2); short protein forms P885S, P963S.
Identifiers: ClinVar variation 1007808 (VCV001007808.10), dbSNP rs771778284, ClinGen allele CA10494001.